The following is an entry in ClinVar:

NM_016180.5(SLC45A2):c.277G>A (p.Asp93Asn)

Gene: SLC45A2 (solute carrier family 45 member 2; minus strand). Cytogenetic location: 5p13.2.
Variant type: single nucleotide variant.
Coding change: c.277G>A on transcript NM_016180.5 (MANE Select); coding-DNA position 277, G replaced by A.
Protein change: p.Asp93Asn; replaces aspartic acid 93 with asparagine.
Molecular consequence: missense variant.
Genome position (GRCh38, 1-based): chr5:33,984,307, C>T on the plus strand (G>A on the coding strand, the complement: SLC45A2 is on the minus strand). VCF-style: chr5-33984307-C-T. GRCh37 (hg19) VCF-style: chr5-33984412-C-T.
Other names: c.277G>A, p.Asp93Asn (NM_001012509.4, NM_001297417.4); short protein forms D93N.
Identifiers: ClinVar variation 1451401 (VCV001451401.8), dbSNP rs751978811, ClinGen allele CA3225836.

ClinVar aggregate classification (germline): Pathogenic. Review status: criteria provided, multiple submitters, no conflicts (2 of 4 stars). 3 submissions from 3 submitters: Pathogenic (3). Last evaluated 2024-12-02.

Conditions:
SLC45A2-related disorder. Also called: SLC45A2-related condition.
Oculocutaneous albinism type 4 (OCA4). Also called: Albinism, oculocutaneous, type IV. Identifiers: Orphanet 79435, MedGen C1847836, MONDO:0011683, OMIM 606574.

Allele frequency attached by ClinVar (database versions not stated): ExAC 0.00001; gnomAD 0.00001; gnomAD exomes 0.00001.
gnomAD v4.1: 6 of 1,613,950 alleles (0.00037%); highest among the groups gnomAD compares: Middle Eastern, 0.016%; no homozygotes.

Submissions (3):

Labcorp Genetics (formerly Invitae), Labcorp
Classification: Pathogenic. Last evaluated: 2024-12-02. Review status: criteria provided, single submitter. Criteria: Invitae Variant Classification Sherloc (09022015). Collection method: clinical testing. Allele origin: germline.
Comment: This sequence change replaces aspartic acid, which is acidic and polar, with asparagine, which is neutral and polar, at codon 93 of the SLC45A2 protein (p.Asp93Asn). This variant is present in population databases (rs751978811, gnomAD 0.009%). This missense change has been observed in individual(s) with oculocutaneous albinism (PMID: 18821858, 22294196, 29345414). In at least one individual the data is consistent with being in trans (on the opposite chromosome) from a pathogenic variant. ClinVar contains an entry for this variant (Variation ID: 1451401). Invitae Evidence Modeling of protein sequence and biophysical properties (such as structural, functional, and spatial information, amino acid conservation, physicochemical variation, residue mobility, and thermodynamic stability) indicates that this missense variant is expected to disrupt SLC45A2 protein function with a positive predictive value of 80%. Experimental studies have shown that this missense change affects SLC45A2 function (PMID: 25760657). For these reasons, this variant has been classified as Pathogenic.

Women's Health and Genetics/Laboratory Corporation of America, LabCorp
Classification: Pathogenic for Oculocutaneous albinism type 4. Last evaluated: 2024-08-30. Review status: criteria provided, single submitter. Criteria: LabCorp Variant Classification Summary - May 2015. Collection method: clinical testing. Allele origin: germline.
Comment: Variant summary: SLC45A2 c.277G>A (p.Asp93Asn) results in a conservative amino acid change in the encoded protein sequence. Four of five in-silico tools predict a damaging effect of the variant on protein function. The variant allele was found at a frequency of 1.2e-05 in 251036 control chromosomes (gnomAD). c.277G>A has been reported in the literature in multiple individuals affected with Oculocutaneous albinism type 4 (Rooryck_2008, Ko_2012, Lasseaux_2018, Kruijt_2021). These data indicate that the variant is very likely to be associated with disease. At least one publication reports experimental evidence evaluating an impact on protein function and this variant resulted in a complete loss of transport activity (Reinders_2015). The following publications have been ascertained in the context of this evaluation (PMID: 22294196, 34078970, 29345414, 25760657, 18821858). ClinVar contains an entry for this variant (Variation ID: 1451401). Based on the evidence outlined above, the variant was classified as pathogenic.

Blueprint Genetics
Classification: Pathogenic for SLC45A2-related disorders. Last evaluated: 2023-10-26. Review status: criteria provided, single submitter. Criteria: ACMG Guidelines, 2015. Collection method: clinical testing. Allele origin: germline. Affected: yes. Observed: 2 variant alleles.

Literature cited by the submitters: PubMed 18821858 (cited by Labcorp Genetics (formerly Invitae), Labcorp and Women's Health and Genetics/Laboratory Corporation of America, LabCorp); PubMed 22294196 (cited by Labcorp Genetics (formerly Invitae), Labcorp and Women's Health and Genetics/Laboratory Corporation of America, LabCorp); PubMed 29345414 (cited by Labcorp Genetics (formerly Invitae), Labcorp and Women's Health and Genetics/Laboratory Corporation of America, LabCorp); PubMed 25760657 (cited by Labcorp Genetics (formerly Invitae), Labcorp and Women's Health and Genetics/Laboratory Corporation of America, LabCorp); PubMed 34078970 (cited by Women's Health and Genetics/Laboratory Corporation of America, LabCorp).